The following is an entry in ClinVar:

ClinVar aggregate classification (germline): Conflicting classifications of pathogenicity. Review status: criteria provided, conflicting classifications (1 of 4 stars). 4 submissions from 4 submitters: Uncertain significance (3); Likely benign (1). Last evaluated 2026-05-19.

Conditions:
Ehlers-Danlos syndrome, classic-like, 2. Identifiers: Orphanet 536532, MedGen C4693870, MONDO:0054813, OMIM 618000.

Allele frequency attached by ClinVar (database versions not stated): 1000 Genomes Project 0.00020; 1000 Genomes Project 30x 0.00031; gnomAD 0.00032; gnomAD exomes 0.00004; ExAC 0.00005.
gnomAD v4.1: 74 of 1,609,542 alleles (0.0046%); highest among the groups gnomAD compares: Admixed American, 0.12%; no homozygotes.

Submissions (4):

Women's Health and Genetics/Laboratory Corporation of America, LabCorp
Classification: Likely benign. Last evaluated: 2026-05-19. Review status: criteria provided, single submitter. Criteria: LabCorp Variant Classification Summary - May 2015. Collection method: clinical testing. Allele origin: germline.
Comment: Variant summary: AEBP1 c.1108G>A (p.Gly370Ser) results in a non-conservative amino acid change in the encoded protein sequence. Algorithms developed to predict the effect of missense changes on protein structure and function are either unavailable or do not agree on the potential impact of this missense change. The variant allele was found at a frequency of 4.6e-05 in 1609542 control chromosomes, predominantly at a frequency of 0.0012 within the Latino subpopulation in the gnomAD v4 database. The observed variant frequency within Latino control individuals in the gnomAD database exceeds the estimated maximal expected allele frequency for disease-causing variants in AEBP1. To our knowledge, no occurrence of c.1108G>A in individuals affected with AEBP1-related conditions and no experimental evidence demonstrating its impact on protein function have been reported. ClinVar contains an entry for this variant (Variation ID: 2175638). Based on the evidence outlined above, the variant was classified as likely benign.

Fulgent Genetics
Classification: Uncertain significance for Ehlers-Danlos syndrome, classic-like, 2. Last evaluated: 2024-05-20. Review status: criteria provided, single submitter. Criteria: ACMG Guidelines, 2015. Collection method: clinical testing. Allele origin: germline.

Labcorp Genetics (formerly Invitae), Labcorp
Classification: Uncertain significance. Last evaluated: 2022-01-16. Review status: criteria provided, single submitter. Criteria: Invitae Variant Classification Sherloc (09022015). Collection method: clinical testing. Allele origin: germline.
Comment: This sequence change replaces glycine, which is neutral and non-polar, with serine, which is neutral and polar, at codon 370 of the AEBP1 protein (p.Gly370Ser). This variant is present in population databases (rs200190216, gnomAD 0.07%). This variant has not been reported in the literature in individuals affected with AEBP1-related conditions. Algorithms developed to predict the effect of missense changes on protein structure and function output the following: SIFT: "Tolerated"; PolyPhen-2: "Benign"; Align-GVGD: "Class C0". The serine amino acid residue is found in multiple mammalian species, which suggests that this missense change does not adversely affect protein function. In summary, the available evidence is currently insufficient to determine the role of this variant in disease. Therefore, it has been classified as a Variant of Uncertain Significance.

Breakthrough Genomics
Classification: Uncertain significance. Review status: criteria provided, single submitter. Criteria: ACMG Guidelines, 2015. Collection method: not provided. Allele origin: germline. Inheritance: Autosomal recessive inheritance. Affected: yes.

NM_001129.5(AEBP1):c.1108G>A (p.Gly370Ser)

Gene: AEBP1 (AE binding protein 1; plus strand). Cytogenetic location: 7p13.
Variant type: single nucleotide variant.
Coding change: c.1108G>A on transcript NM_001129.5 (MANE Select); coding-DNA position 1108, G replaced by A.
Protein change: p.Gly370Ser; replaces glycine 370 with serine.
Molecular consequence: missense variant.
Genome position (GRCh38, 1-based): chr7:44,109,299, G>A. VCF-style: chr7-44109299-G-A. GRCh37 (hg19) VCF-style: chr7-44148898-G-A.
Other names: short protein forms G370S.
Identifiers: ClinVar variation 2175638 (VCV002175638.4), dbSNP rs200190216, ClinGen allele CA4237756.